The following is an entry in ClinVar:

NM_020191.4(MRPS22):c.481dup (p.Ile161fs)

Gene: MRPS22 (mitochondrial ribosomal protein S22; plus strand). Cytogenetic location: 3q23.
Variant type: Duplication.
Coding change: c.481dup on transcript NM_020191.4 (MANE Select); coding-DNA position 481, one base duplicated (A; older notation c.481dupA).
Protein change: p.Ile161fs; shifts the reading frame from isoleucine 161.
Molecular consequence: frameshift variant.
Genome position (GRCh38, 1-based): chr3:139,348,301, A duplicated. VCF-style (leftmost placement, unchanged base first): chr3-139348300-T-TA. GRCh37 (hg19) VCF-style: chr3-139067142-T-TA.
Other names: c.358dup, p.Ile120fs (NM_001363857.1); c.478dup, p.Ile160fs (NM_001363893.1); short protein forms I120fs, I160fs, I161fs.
Identifiers: ClinVar variation 2445204 (VCV002445204.1), dbSNP rs2472854593, ClinGen allele CA2580068850.
Genomic context (GRCh38, chr3:139,348,300, plus strand): 5'-TGTGTTAGCTGAAGATAAGATTTTGGAAGGAACAGAAACAACCAAATATGTGTTTACTGA[T>TA]ATATCATATAGCATACCACACCGGGTGAGTATATGTCTAATCGCAAAATGATCTTTCTTT-3'

ClinVar aggregate classification (germline): Likely pathogenic (1 of 4 stars; one submission).

Conditions:
Hypotonia with lactic acidemia and hyperammonemia. Identifiers: Orphanet 137908, MedGen C2673642, MONDO:0012718, OMIM 611719.

Submission:

Equipe Genetique des Anomalies du Developpement, Université de Bourgogne
Classification: Likely pathogenic for Hypotonia with lactic acidemia and hyperammonemia. Last evaluated: 2019-10-01. Review status: criteria provided, single submitter. Criteria: ACMG Guidelines, 2015. Collection method: clinical testing. Allele origin: paternal. Inheritance: Autosomal recessive inheritance. Affected: yes.
Comment: This variant was observed in compound heterozygosity with variant c.509G>A

Literature cited by the submitters: PubMed 28752220.